The following is an entry in ClinVar:

NM_000702.4(ATP1A2):c.712C>T (p.Arg238Cys)

Genes: ATP1A2 (ATPase Na+/K+ transporting subunit alpha 2; plus strand), LOC126805890 (CDK7 strongly-dependent group 2 enhancer GRCh37_chr1:160093987-160095186; plus strand). Cytogenetic location: 1q23.2.
Variant type: single nucleotide variant.
Coding change: c.712C>T on transcript NM_000702.4 (MANE Select); coding-DNA position 712, C replaced by T.
Protein change: p.Arg238Cys; replaces arginine 238 with cysteine.
Molecular consequence: missense variant.
Genome position (GRCh38, 1-based): chr1:160,125,217, C>T. VCF-style: chr1-160125217-C-T. GRCh37 (hg19) VCF-style: chr1-160095007-C-T.
Other names: short protein forms R238C.
Identifiers: ClinVar variation 588262 (VCV000588262.16), dbSNP rs1558004341, ClinGen allele CA343235507.

ClinVar aggregate classification (germline): Uncertain significance. Review status: criteria provided, multiple submitters, no conflicts (2 of 4 stars). 4 submissions from 4 submitters: Uncertain significance (4). Last evaluated 2023-09-03.

Conditions:
ATP1A2-related disorder. Also called: ATP1A2-related condition; ATP1A2-RELATED DISORDERS.
Inborn genetic diseases. Identifiers: MedGen C0950123, MeSH D030342.
Familial hemiplegic migraine. Identifiers: MedGen C0338484, MONDO:0000700.

Allele frequency attached by ClinVar (database versions not stated): gnomAD exomes below 0.00001.

Submissions (4):

PreventionGenetics, part of Exact Sciences
Classification: Uncertain significance for ATP1A2-related condition. Last evaluated: 2023-09-03. Review status: criteria provided, single submitter. Criteria: ACMG Guidelines, 2015. Collection method: clinical testing. Allele origin: germline.
Comment: The ATP1A2 c.712C>T variant is predicted to result in the amino acid substitution p.Arg238Cys. To our knowledge, this variant has not been reported in the literature or in a large population database, indicating this variant is rare. At this time, the clinical significance of this variant is uncertain due to the absence of conclusive functional and genetic evidence.

Labcorp Genetics (formerly Invitae), Labcorp
Classification: Uncertain significance for Familial hemiplegic migraine. Last evaluated: 2022-12-02. Review status: criteria provided, single submitter. Criteria: Invitae Variant Classification Sherloc (09022015). Collection method: clinical testing. Allele origin: germline.
Comment: ClinVar contains an entry for this variant (Variation ID: 588262). This variant has not been reported in the literature in individuals affected with ATP1A2-related conditions. This variant is not present in population databases (gnomAD no frequency). This sequence change replaces arginine, which is basic and polar, with cysteine, which is neutral and slightly polar, at codon 238 of the ATP1A2 protein (p.Arg238Cys). In summary, the available evidence is currently insufficient to determine the role of this variant in disease. Therefore, it has been classified as a Variant of Uncertain Significance. Advanced modeling of protein sequence and biophysical properties (such as structural, functional, and spatial information, amino acid conservation, physicochemical variation, residue mobility, and thermodynamic stability) performed at Invitae indicates that this missense variant is not expected to disrupt ATP1A2 protein function.

GeneDx
Classification: Uncertain significance. Last evaluated: 2022-08-22. Review status: criteria provided, single submitter. Criteria: GeneDx Variant Classification Process June 2021. Collection method: clinical testing. Allele origin: germline. Affected: yes.
Comment: Not observed at significant frequency in large population cohorts (gnomAD); In silico analysis supports that this missense variant has a deleterious effect on protein structure/function; Has not been previously published as pathogenic or benign to our knowledge

Ambry Genetics
Classification: Uncertain significance for Inborn genetic diseases. Last evaluated: 2016-09-10. Review status: criteria provided, single submitter. Criteria: Ambry Variant Classification Scheme 2023. Collection method: clinical testing. Allele origin: germline.
Comment: The p.R238C variant (also known as c.712C>T), located in coding exon 7 of the ATP1A2 gene, results from a C to T substitution at nucleotide position 712. The arginine at codon 238 is replaced by cysteine, an amino acid with highly dissimilar properties. This variant was not reported in population based cohorts in the following databases: Database of Single Nucleotide Polymorphisms (dbSNP), NHLBI Exome Sequencing Project (ESP), and 1000 Genomes Project. In the ESP, this variant was not observed in 6503 samples (13006 alleles) with coverage at this position. This amino acid position is highly conserved in available vertebrate species. In addition, this alteration is predicted to be deleterious by in silico analysis. Since supporting evidence is limited at this time, the clinical significance of this alteration remains unclear.